The following is an entry in ClinVar:

NM_003468.4(FZD5):c.724T>C (p.Trp242Arg)

Gene: FZD5 (frizzled class receptor 5; minus strand). Cytogenetic location: 2q33.3.
Variant type: single nucleotide variant.
Coding change: c.724T>C on transcript NM_003468.4 (MANE Select); coding-DNA position 724, T replaced by C.
Protein change: p.Trp242Arg; replaces tryptophan 242 with arginine.
Molecular consequence: missense variant.
Genome position (GRCh38, 1-based): chr2:207,768,016, A>G on the plus strand (T>C on the coding strand, the complement: FZD5 is on the minus strand). VCF-style: chr2-207768016-A-G. GRCh37 (hg19) VCF-style: chr2-208632740-A-G.
Other names: short protein forms W242R.
Identifiers: ClinVar variation 3652212 (VCV003652212.2).

ClinVar aggregate classification (germline): Uncertain significance (1 of 4 stars; one submission).

Submission:

Labcorp Genetics (formerly Invitae), Labcorp
Classification: Uncertain significance. Last evaluated: 2024-07-05. Review status: criteria provided, single submitter. Criteria: Invitae Variant Classification Sherloc (09022015). Collection method: clinical testing. Allele origin: germline.
Comment: This sequence change replaces tryptophan, which is neutral and slightly polar, with arginine, which is basic and polar, at codon 242 of the FZD5 protein (p.Trp242Arg). This variant is not present in population databases (gnomAD no frequency). This variant has not been reported in the literature in individuals affected with FZD5-related conditions. This missense change has been observed in at least one individual who was not affected with FZD5-related conditions (Invitae). Advanced modeling of protein sequence and biophysical properties (such as structural, functional, and spatial information, amino acid conservation, physicochemical variation, residue mobility, and thermodynamic stability) performed at Invitae indicates that this missense variant is expected to disrupt FZD5 protein function with a positive predictive value of 80%. In summary, the available evidence is currently insufficient to determine the role of this variant in disease. Therefore, it has been classified as a Variant of Uncertain Significance.